The following is an entry in ClinVar:

NM_000834.5(GRIN2B):c.1831G>C (p.Gly611Arg)

Gene: GRIN2B (glutamate ionotropic receptor NMDA type subunit 2B; minus strand). Cytogenetic location: 12p13.1.
Variant type: single nucleotide variant.
Coding change: c.1831G>C on transcript NM_000834.5 (MANE Select); coding-DNA position 1831, G replaced by C.
Protein change: p.Gly611Arg; replaces glycine 611 with arginine.
Molecular consequence: missense variant.
Genome position (GRCh38, 1-based): chr12:13,608,782, C>G on the plus strand (G>C on the coding strand, the complement: GRIN2B is on the minus strand). VCF-style: chr12-13608782-C-G. GRCh37 (hg19) VCF-style: chr12-13761716-C-G.
Other names: short protein forms G611R.
Identifiers: ClinVar variation 1485071 (VCV001485071.8), dbSNP rs2136470509, ClinGen allele CA384051249.
Genomic context (GRCh38, chr12:13,608,782, plus strand): 5'-TGATCTTGGAGGTGGTCCCCTTTGGGTTCTGCACAGGTACGGAGTTGTTAAACACCAGAC[C>G]CCAGAGCAACCAAATAGCTTTGCCGATGGTGAAAGAGGGTCCACCAGGCTCTGGCATGAC-3'
Protein context (NP_000825.2, residues 601-621): TIGKAIWLLW[Gly611Arg]LVFNNSVPVQ

ClinVar aggregate classification (germline): Likely pathogenic (1 of 4 stars; one submission).

Conditions:
Intellectual developmental disorder, autosomal dominant 6, with or without seizures. Also called: Intellectual disability, autosomal dominant 6; GRIN2B-related developmental delay, intellectual disability and autism spectrum disorder. Identifiers: Orphanet 589547, MedGen C3151411, MONDO:0013509, OMIM 613970.
Developmental and epileptic encephalopathy, 27 (DEE27). Also called: Epileptic encephalopathy, early infantile, 27; GRIN2B-Related Neurodevelopmental Disorder. Identifiers: Orphanet 3451, MedGen C4015316, MONDO:0014505, OMIM 616139.

Submission:

Labcorp Genetics (formerly Invitae), Labcorp
Classification: Likely pathogenic for Developmental and epileptic encephalopathy, 27; Intellectual developmental disorder, autosomal dominant 6, with or without seizures. Last evaluated: 2021-01-25. Review status: criteria provided, single submitter. Criteria: Invitae Variant Classification Sherloc (09022015). Collection method: clinical testing. Allele origin: germline.
Comment: This sequence change replaces glycine with arginine at codon 611 of the GRIN2B protein (p.Gly611Arg). The glycine residue is highly conserved and there is a moderate physicochemical difference between glycine and arginine. This variant is not present in population databases (ExAC no frequency). This variant has been observed in individual(s) with clinical features of GRIN2B-related conditions (Invitae). Advanced modeling of protein sequence and biophysical properties (such as structural, functional, and spatial information, amino acid conservation, physicochemical variation, residue mobility, and thermodynamic stability) performed at Invitae indicates that this missense variant is expected to disrupt GRIN2B protein function. This variant disrupts the p.Gly611 amino acid residue in GRIN2B. Other variant(s) that disrupt this residue have been determined to be pathogenic (PMID: 28377535, 31429998). This suggests that this residue is clinically significant, and that variants that disrupt this residue are likely to be disease-causing. In summary, the currently available evidence indicates that the variant is pathogenic, but additional data are needed to prove that conclusively. Therefore, this variant has been classified as Likely Pathogenic.

Literature cited by the submitters: PubMed 28377535; PubMed 31429998.